The following is an entry in ClinVar:

ClinVar aggregate classification (germline): Uncertain significance. Review status: criteria provided, multiple submitters, no conflicts (2 of 4 stars). 2 submissions from 2 submitters: Uncertain significance (2). Last evaluated 2025-03-19.

Conditions:
Deafness-lymphedema-leukemia syndrome. Also called: Emberger syndrome; Lymphedema, primary, with myelodysplasia. Identifiers: Orphanet 3226, MedGen C3279664, MONDO:0013540, OMIM 614038.
Monocytopenia with susceptibility to infections. Also called: MONOCYTOPENIA AND MYCOBACTERIAL INFECTION SYNDROME; GATA2 DEFICIENCY; IMMUNODEFICIENCY 21; MONOCYTOPENIA WITH SUSCEPTIBILITY TO MYCOBACTERIAL, FUNGAL, AND PAPILLOMAVIRUS INFECTIONS AND MYELODYSPLASIA; COMBINED IMMUNODEFICIENCY WITH SUSCEPTIBILITY TO MYCOBACTERIAL, VIRAL, AND FUNGAL INFECTIONS; Dendritic cell, monocyte, B lymphocyte, and natural killer lymphocyte deficiency. Identifiers: Orphanet 228423, MedGen C3280030, MONDO:0013607, OMIM 614172.
Inborn genetic diseases. Identifiers: MedGen C0950123, MeSH D030342.

Allele frequency attached by ClinVar (database versions not stated): gnomAD exomes below 0.00001.
gnomAD v4.1: 2 of 1,614,200 alleles (0.00012%); highest among the groups gnomAD compares: South Asian, 0.0011%; no homozygotes.

Submissions (2):

Ambry Genetics
Classification: Uncertain significance for Inborn genetic diseases. Last evaluated: 2025-03-19. Review status: criteria provided, single submitter. Criteria: Ambry Variant Classification Scheme 2023. Collection method: clinical testing. Allele origin: germline.
Comment: The p.R337Q variant (also known as c.1010G>A), located in coding exon 3 of the GATA2 gene, results from a G to A substitution at nucleotide position 1010. The arginine at codon 337 is replaced by glutamine, an amino acid with highly similar properties. This amino acid position is highly conserved in available vertebrate species. In addition, this alteration is predicted to be deleterious by in silico analysis. Based on the available evidence, the clinical significance of this variant remains unclear.

Labcorp Genetics (formerly Invitae), Labcorp
Classification: Uncertain significance for Monocytopenia with susceptibility to infections; Deafness-lymphedema-leukemia syndrome. Last evaluated: 2023-05-20. Review status: criteria provided, single submitter. Criteria: Invitae Variant Classification Sherloc (09022015). Collection method: clinical testing. Allele origin: germline.
Comment: In summary, the available evidence is currently insufficient to determine the role of this variant in disease. Therefore, it has been classified as a Variant of Uncertain Significance. Advanced modeling of protein sequence and biophysical properties (such as structural, functional, and spatial information, amino acid conservation, physicochemical variation, residue mobility, and thermodynamic stability) has been performed at Invitae for this missense variant, however the output from this modeling did not meet the statistical confidence thresholds required to predict the impact of this variant on GATA2 protein function. ClinVar contains an entry for this variant (Variation ID: 1366202). This variant has not been reported in the literature in individuals affected with GATA2-related conditions. This variant is not present in population databases (gnomAD no frequency). This sequence change replaces arginine, which is basic and polar, with glutamine, which is neutral and polar, at codon 337 of the GATA2 protein (p.Arg337Gln).

NM_032638.5(GATA2):c.1010G>A (p.Arg337Gln)

Gene: GATA2 (GATA binding protein 2; minus strand). Cytogenetic location: 3q21.3.
Variant type: single nucleotide variant.
Coding change: c.1010G>A on transcript NM_032638.5 (MANE Select); coding-DNA position 1010, G replaced by A.
Protein change: p.Arg337Gln; replaces arginine 337 with glutamine.
Molecular consequence: missense variant.
Genome position (GRCh38, 1-based): chr3:128,483,867, C>T on the plus strand (G>A on the coding strand, the complement: GATA2 is on the minus strand). VCF-style: chr3-128483867-C-T. GRCh37 (hg19) VCF-style: chr3-128202710-C-T.
Other names: c.1010G>A (NM_032638.4); c.1010G>A, p.Arg337Gln (NM_001145661.2, NM_001145662.1); short protein forms R337Q.
Identifiers: ClinVar variation 1366202 (VCV001366202.9), dbSNP rs2068661017, ClinGen allele CA354404243.